The following is an entry in ClinVar:

ClinVar aggregate classification (germline): Likely benign. Review status: criteria provided, single submitter (1 of 4 stars). 2 submissions from 2 submitters: Likely benign (1). 1 of the submissions does not count toward it. Last evaluated 2026-01-29.

Conditions:
TBX18-related disorder. Also called: TBX18-related condition.

Allele frequency attached by ClinVar (database versions not stated): gnomAD exomes 0.00015; 1000 Genomes Project 30x 0.00031; 1000 Genomes Project 0.00040; ExAC 0.00044; ESP Exome Variant Server 0.00054; TOPMed 0.00066; gnomAD 0.00071.
gnomAD v4.1: 355 of 1,612,638 alleles (0.022%); highest among the groups gnomAD compares: African/African-American, 0.21%; 1 homozygote.

Submissions (2):

Labcorp Genetics (formerly Invitae), Labcorp
Classification: Likely benign. Last evaluated: 2026-01-29. Review status: criteria provided, single submitter. Criteria: Invitae Variant Classification Sherloc (09022015). Collection method: clinical testing. Allele origin: germline.

PreventionGenetics, part of Exact Sciences
Classification: Likely benign for TBX18-related condition. Last evaluated: 2023-06-23. Review status: no assertion criteria provided. Collection method: clinical testing. Allele origin: germline. Not counted in ClinVar's aggregate classification.
Comment: This variant is classified as likely benign based on ACMG/AMP sequence variant interpretation guidelines (Richards et al. 2015 PMID: 25741868, with internal and published modifications).

NM_001080508.3(TBX18):c.814G>A (p.Val272Ile)

Gene: TBX18 (T-box transcription factor 18; minus strand). Cytogenetic location: 6q14.3.
Variant type: single nucleotide variant.
Coding change: c.814G>A on transcript NM_001080508.3 (MANE Select); coding-DNA position 814, G replaced by A.
Protein change: p.Val272Ile; replaces valine 272 with isoleucine.
Molecular consequence: missense variant.
Genome position (GRCh38, 1-based): chr6:84,748,045, C>T on the plus strand (G>A on the coding strand, the complement: TBX18 is on the minus strand). VCF-style: chr6-84748045-C-T. GRCh37 (hg19) VCF-style: chr6-85457763-C-T.
Other names: c.814G>A (NM_001080508.2); short protein forms V272I.
Identifiers: ClinVar variation 2714459 (VCV002714459.5), dbSNP rs115937874, ClinGen allele CA3910996.